The following is an entry in ClinVar:

ClinVar aggregate classification (germline): Uncertain significance (1 of 4 stars; one submission).

gnomAD v4.1: 1 of 1,614,216 alleles (0.000062%); highest among the groups gnomAD compares: Non-Finnish European, 0.000085%; no homozygotes.

Submission:

Ambry Genetics
Classification: Uncertain significance. Last evaluated: 2022-04-22. Review status: criteria provided, single submitter. Criteria: Ambry Variant Classification Scheme 2023. Collection method: clinical testing. Allele origin: germline.
Comment: The p.S1173G variant (also known as c.3517A>G), located in coding exon 17 of the NPAT gene, results from an A to G substitution at nucleotide position 3517. The serine at codon 1173 is replaced by glycine, an amino acid with similar properties. This amino acid position is conserved. In addition, this alteration is predicted to be tolerated by in silico analysis. Since supporting evidence is limited at this time, the clinical significance of this alteration remains unclear.

NM_002519.3(NPAT):c.3517A>G (p.Ser1173Gly)

Gene: NPAT (nuclear protein, coactivator of histone transcription; minus strand). Cytogenetic location: 11q22.3.
Variant type: single nucleotide variant.
Coding change: c.3517A>G on transcript NM_002519.3 (MANE Select); coding-DNA position 3517, A replaced by G.
Protein change: p.Ser1173Gly; replaces serine 1173 with glycine.
Molecular consequence: missense variant.
Genome position (GRCh38, 1-based): chr11:108,161,569, T>C on the plus strand (A>G on the coding strand, the complement: NPAT is on the minus strand). VCF-style: chr11-108161569-T-C. GRCh37 (hg19) VCF-style: chr11-108032296-T-C.
Other names: c.3538A>G, p.Ser1180Gly (NM_001321307.1); short protein forms S1173G, S1180G.
Identifiers: ClinVar variation 1732216 (VCV001732216.2), dbSNP rs753590359, ClinGen allele CA382510634.